The following is an entry in ClinVar:

NM_032638.5(GATA2):c.149A>G (p.Asn50Ser)

Gene: GATA2 (GATA binding protein 2; minus strand). Cytogenetic location: 3q21.3.
Variant type: single nucleotide variant.
Coding change: c.149A>G on transcript NM_032638.5 (MANE Select); coding-DNA position 149, A replaced by G.
Protein change: p.Asn50Ser; replaces asparagine 50 with serine.
Molecular consequence: missense variant.
Genome position (GRCh38, 1-based): chr3:128,486,883, T>C on the plus strand (A>G on the coding strand, the complement: GATA2 is on the minus strand). VCF-style: chr3-128486883-T-C. GRCh37 (hg19) VCF-style: chr3-128205726-T-C.
Other names: c.149A>G, p.Asn50Ser (NM_001145661.2, NM_001145662.1); short protein forms N50S.
Identifiers: ClinVar variation 645472 (VCV000645472.8), dbSNP rs1576749789, ClinGen allele CA354408634.

ClinVar aggregate classification (germline): Uncertain significance (1 of 4 stars; one submission).

Conditions:
Monocytopenia with susceptibility to infections. Also called: Dendritic cell, monocyte, B lymphocyte, and natural killer lymphocyte deficiency; GATA2 DEFICIENCY; MONOCYTOPENIA AND MYCOBACTERIAL INFECTION SYNDROME; MONOCYTOPENIA WITH SUSCEPTIBILITY TO MYCOBACTERIAL, FUNGAL, AND PAPILLOMAVIRUS INFECTIONS AND MYELODYSPLASIA; COMBINED IMMUNODEFICIENCY WITH SUSCEPTIBILITY TO MYCOBACTERIAL, VIRAL, AND FUNGAL INFECTIONS; IMMUNODEFICIENCY 21. Identifiers: Orphanet 228423, MedGen C3280030, MONDO:0013607, OMIM 614172.
Deafness-lymphedema-leukemia syndrome. Also called: Lymphedema, primary, with myelodysplasia; Emberger syndrome. Identifiers: Orphanet 3226, MedGen C3279664, MONDO:0013540, OMIM 614038.

Allele frequency attached by ClinVar (database versions not stated): TOPMed below 0.00001.

Submission:

Labcorp Genetics (formerly Invitae), Labcorp
Classification: Uncertain significance for Monocytopenia with susceptibility to infections; Deafness-lymphedema-leukemia syndrome. Last evaluated: 2023-07-29. Review status: criteria provided, single submitter. Criteria: Invitae Variant Classification Sherloc (09022015). Collection method: clinical testing. Allele origin: germline.
Comment: This sequence change replaces asparagine, which is neutral and polar, with serine, which is neutral and polar, at codon 50 of the GATA2 protein (p.Asn50Ser). This variant is not present in population databases (gnomAD no frequency). This variant has not been reported in the literature in individuals affected with GATA2-related conditions. ClinVar contains an entry for this variant (Variation ID: 645472). Advanced modeling of protein sequence and biophysical properties (such as structural, functional, and spatial information, amino acid conservation, physicochemical variation, residue mobility, and thermodynamic stability) performed at Invitae indicates that this missense variant is not expected to disrupt GATA2 protein function. In summary, the available evidence is currently insufficient to determine the role of this variant in disease. Therefore, it has been classified as a Variant of Uncertain Significance.